The following is an entry in ClinVar:

ClinVar aggregate classification (germline): Uncertain significance (1 of 4 stars; one submission).

Conditions:
Cystic fibrosis (CF). Also called: MUCOVISCIDOSIS. Identifiers: Orphanet 586, MedGen C0010674, MONDO:0009061, OMIM 219700. Disease mechanism: loss of function.

gnomAD v4.1: 1 of 1,612,030 alleles (0.000062%); highest among the groups gnomAD compares: Non-Finnish European, 0.000085%; no homozygotes.

Submission:

Ambry Genetics
Classification: Uncertain significance for Cystic fibrosis. Last evaluated: 2025-09-16. Review status: criteria provided, single submitter. Criteria: Ambry Variant Classification Scheme 2023. Collection method: clinical testing. Allele origin: germline.
Comment: The p.E278D variant (also known as c.834A>T), located in coding exon 7 of the CFTR gene, results from an A to T substitution at nucleotide position 834. The glutamic acid at codon 278 is replaced by aspartic acid, an amino acid with highly similar properties. This amino acid position is conserved. In addition, this alteration is predicted to be deleterious by in silico analysis. Based on the available evidence, the clinical significance of this variant remains unclear.

NM_000492.4(CFTR):c.834A>T (p.Glu278Asp)

Gene: CFTR (CF transmembrane conductance regulator; plus strand). Cytogenetic location: 7q31.2.
Variant type: single nucleotide variant.
Coding change: c.834A>T on transcript NM_000492.4 (MANE Select); coding-DNA position 834, A replaced by T.
Protein change: p.Glu278Asp; replaces glutamic acid 278 with aspartic acid.
Molecular consequence: missense variant.
Genome position (GRCh38, 1-based): chr7:117,536,638, A>T. VCF-style: chr7-117536638-A-T. GRCh37 (hg19) VCF-style: chr7-117176692-A-T.
Other names: short protein forms E278D.
Identifiers: ClinVar variation 4645931 (VCV004645931.1).